The following is an entry in ClinVar:

ClinVar aggregate classification (germline): Uncertain significance (1 of 4 stars; one submission).

Submission:

GeneDx
Classification: Uncertain significance. Last evaluated: 2025-06-21. Review status: criteria provided, single submitter. Criteria: GeneDx Variant Classification Process June 2021. Collection method: clinical testing. Allele origin: germline. Affected: yes.
Comment: Not observed at significant frequency in large population cohorts (gnomAD); In silico analysis suggests that this missense variant does not alter protein structure/function; Has not been previously published as pathogenic or benign to our knowledge

NM_005909.5(MAP1B):c.4597C>T (p.Pro1533Ser)

Gene: MAP1B (microtubule associated protein 1B; plus strand). Cytogenetic location: 5q13.2.
Variant type: single nucleotide variant.
Coding change: c.4597C>T on transcript NM_005909.5 (MANE Select); coding-DNA position 4597, C replaced by T.
Protein change: p.Pro1533Ser; replaces proline 1533 with serine.
Molecular consequence: missense variant.
Genome position (GRCh38, 1-based): chr5:72,197,952, C>T. VCF-style: chr5-72197952-C-T. GRCh37 (hg19) VCF-style: chr5-71493779-C-T.
Other names: c.4219C>T, p.Pro1407Ser (NM_001324255.2); short protein forms P1407S, P1533S.
Identifiers: ClinVar variation 4538824 (VCV004538824.1).